The following is an entry in ClinVar:

ClinVar aggregate classification (germline): Uncertain significance. Review status: criteria provided, multiple submitters, no conflicts (2 of 4 stars). 2 submissions from 2 submitters: Uncertain significance (2). Last evaluated 2026-08-17.

Conditions:
Cardiovascular phenotype. Identifiers: MedGen CN230736.
Walker-Warburg congenital muscular dystrophy. Also called: Muscular dystrophy-dystroglycanopathy, type A; Walker-Warburg syndrome. Identifiers: Orphanet 899, MedGen C0265221, MONDO:0000171.

gnomAD v4.1: 6 of 1,451,044 alleles (0.00041%); highest among the groups gnomAD compares: African/African-American, 0.0015%; no homozygotes.

Submissions (2):

Ambry Genetics
Classification: Uncertain significance for Cardiovascular phenotype. Last evaluated: 2026-08-17. Review status: criteria provided, single submitter. Criteria: Ambry Variant Classification Scheme 2023. Collection method: clinical testing. Allele origin: germline.
Comment: The p.R265Q variant (also known as c.794G>A), located in coding exon 1 of the FKRP gene, results from a G to A substitution at nucleotide position 794. The arginine at codon 265 is replaced by glutamine, an amino acid with highly similar properties. This amino acid position is well conserved in available vertebrate species. In addition, this alteration is predicted to be tolerated by in silico analysis. Based on the available evidence, the clinical significance of this variant remains unclear.

Labcorp Genetics (formerly Invitae), Labcorp
Classification: Uncertain significance for Walker-Warburg congenital muscular dystrophy. Last evaluated: 2024-10-25. Review status: criteria provided, single submitter. Criteria: Invitae Variant Classification Sherloc (09022015). Collection method: clinical testing. Allele origin: germline.
Comment: This sequence change replaces arginine, which is basic and polar, with glutamine, which is neutral and polar, at codon 265 of the FKRP protein (p.Arg265Gln). This variant is not present in population databases (gnomAD no frequency). This variant has not been reported in the literature in individuals affected with FKRP-related conditions. ClinVar contains an entry for this variant (Variation ID: 999163). Invitae Evidence Modeling of protein sequence and biophysical properties (such as structural, functional, and spatial information, amino acid conservation, physicochemical variation, residue mobility, and thermodynamic stability) has been performed for this missense variant. However, the output from this modeling did not meet the statistical confidence thresholds required to predict the impact of this variant on FKRP protein function. In summary, the available evidence is currently insufficient to determine the role of this variant in disease. Therefore, it has been classified as a Variant of Uncertain Significance.

NM_024301.5(FKRP):c.794G>A (p.Arg265Gln)

Gene: FKRP (fukutin related protein; plus strand). Cytogenetic location: 19q13.32.
Variant type: single nucleotide variant.
Coding change: c.794G>A on transcript NM_024301.5 (MANE Select); coding-DNA position 794, G replaced by A.
Protein change: p.Arg265Gln; replaces arginine 265 with glutamine.
Molecular consequence: missense variant.
Genome position (GRCh38, 1-based): chr19:46,756,244, G>A. VCF-style: chr19-46756244-G-A. GRCh37 (hg19) VCF-style: chr19-47259501-G-A.
Other names: c.794G>A, p.Arg265Gln (NM_001039885.3); c.794G>A (NM_024301.4); short protein forms R265Q.
Identifiers: ClinVar variation 999163 (VCV000999163.9), dbSNP rs1320991574, ClinGen allele CA406496028.